The following is an entry in ClinVar:

ClinVar aggregate classification (germline): Benign/Likely benign. Review status: criteria provided, multiple submitters, no conflicts (2 of 4 stars). 4 submissions from 4 submitters: Benign (3); Likely benign (1). Last evaluated 2026-10-01.

Allele frequency attached by ClinVar (database versions not stated): ExAC 0.00621; ESP Exome Variant Server 0.00646; gnomAD 0.00650 and 0.00671; gnomAD exomes 0.00653 and 0.00859; TOPMed 0.00693; 1000 Genomes Project 0.00300; 1000 Genomes Project 30x 0.00328.
gnomAD v4.1: 13,414 of 1,614,234 alleles (0.83%); highest among the groups gnomAD compares: Non-Finnish European, 1%; 74 homozygotes.

Submissions (4):

CeGaT Center for Human Genetics Tuebingen
Classification: Benign. Last evaluated: 2026-10-01. Review status: criteria provided, single submitter. Criteria: CeGaT Center For Human Genetics Tuebingen Variant Classification Criteria Version 2. Collection method: clinical testing. Allele origin: germline. Affected: yes. Observed: 33 variant alleles.
Comment: GPT2: BP4, BP7, BS1, BS2

Mayo Clinic Laboratories, Mayo Clinic
Classification: Likely benign. Last evaluated: 2025-08-12. Review status: criteria provided, single submitter. Criteria: ACMG Guidelines, 2015. Collection method: clinical testing. Allele origin: germline. Observed: 11 variant alleles.
Comment: BS1, BS2, BP4, BP7

Labcorp Genetics (formerly Invitae), Labcorp
Classification: Benign. Last evaluated: 2019-12-31. Review status: criteria provided, single submitter. Criteria: Invitae Variant Classification Sherloc (09022015). Collection method: clinical testing. Allele origin: germline.

Breakthrough Genomics
Classification: Benign. Review status: criteria provided, single submitter. Criteria: ACMG Guidelines, 2015. Collection method: not provided. Allele origin: germline. Inheritance: Autosomal recessive inheritance. Affected: yes.

NM_133443.4(GPT2):c.510G>A (p.Arg170=)

Gene: GPT2 (glutamic--pyruvic transaminase 2; plus strand). Cytogenetic location: 16q11.2.
Variant type: single nucleotide variant.
Coding change: c.510G>A on transcript NM_133443.4 (MANE Select); coding-DNA position 510, G replaced by A.
Protein change: p.Arg170=; no amino-acid change (arginine 170 retained).
Molecular consequence: synonymous variant.
Genome position (GRCh38, 1-based): chr16:46,906,909, G>A. VCF-style: chr16-46906909-G-A. GRCh37 (hg19) VCF-style: chr16-46940821-G-A.
Other names: p.Arg170=; c.210G>A, p.Arg70= (NM_001142466.3).
Identifiers: ClinVar variation 782015 (VCV000782015.30), dbSNP rs116619352, ClinGen allele CA8038622.